The following is an entry in ClinVar:

NM_001379403.1(WDR26):c.1916G>A (p.Arg639Gln)

Gene: WDR26 (WD repeat domain 26; minus strand). Cytogenetic location: 1q42.11.
Variant type: single nucleotide variant.
Coding change: c.1916G>A on transcript NM_001379403.1 (MANE Select); coding-DNA position 1916, G replaced by A.
Protein change: p.Arg639Gln; replaces arginine 639 with glutamine.
Molecular consequence: missense variant.
Genome position (GRCh38, 1-based): chr1:224,398,543, C>T on the plus strand (G>A on the coding strand, the complement: WDR26 is on the minus strand). VCF-style: chr1-224398543-C-T. GRCh37 (hg19) VCF-style: chr1-224586245-C-T.
Other names: c.1568G>A, p.Arg523Gln (NM_001115113.3); c.1616G>A, p.Arg539Gln (NM_025160.7); short protein forms R523Q, R539Q, R639Q.
Identifiers: ClinVar variation 996856 (VCV000996856.4), dbSNP rs760399308, ClinGen allele CA1414896.

ClinVar aggregate classification (germline): Uncertain significance. Review status: criteria provided, multiple submitters, no conflicts (2 of 4 stars). 3 submissions from 3 submitters: Uncertain significance (3). Last evaluated 2026-01-29.

Conditions:
Inborn genetic diseases. Identifiers: MedGen C0950123, MeSH D030342.
Skraban-Deardorff syndrome. Also called: INTELLECTUAL DISABILITY WITH SEIZURES, ABNORMAL GAIT, AND DISTINCTIVE FACIAL FEATURES; WDR26-Related Intellectual Disability. Identifiers: Orphanet 513456, MedGen C4539927, MONDO:0054636, OMIM 617616.

Allele frequency attached by ClinVar (database versions not stated): ExAC 0.00001; TOPMed 0.00002; gnomAD 0.00001; gnomAD exomes 0.00002.
gnomAD v4.1: 25 of 1,609,622 alleles (0.0016%); highest among the groups gnomAD compares: South Asian, 0.0033%; no homozygotes.

Submissions (3):

Dasa
Classification: Uncertain significance for Skraban-Deardorff syndrome. Last evaluated: 2026-01-29. Review status: criteria provided, single submitter. Criteria: DASA Assertion Criteria. Collection method: clinical testing. Allele origin: germline.
Comment: NM_001379403.1(WDR26):c.1916G>A (p.Arg639Gln) is a missense variant that results in the substitution of arginine with glutamine. This variant is rare in population databases. The currently available literature and clinical evidence are not sufficient to establish a definitive association between this variant and the reported condition. Therefore, this variant is classified as a variant of uncertain significance.

Ambry Genetics
Classification: Uncertain significance for Inborn genetic diseases. Last evaluated: 2025-04-01. Review status: criteria provided, single submitter. Criteria: Ambry Variant Classification Scheme 2023. Collection method: clinical testing. Allele origin: germline.

New York Genome Center
Classification: Uncertain significance for Skraban-Deardorff syndrome. Last evaluated: 2019-09-13. Review status: criteria provided, single submitter. Criteria: NYGC Assertion Criteria 2020. Collection method: clinical testing. Allele origin: germline. Inheritance: Autosomal dominant inheritance. Observed: 1 heterozygote. Study: CSER-NYCKidSeq.
Comment: The c.1616G>A (p.Arg539Gln) variant identified in the WDR26 gene substitutes a completely conserved Arginine for Glutamine at amino acid 539/662 (coding exon 11/14).This variant is found with low frequency in gnomAD (5 heterozygotes, 0 homozygotes; allele frequency: 1.80e-5) and ExAC (1 heterozygote, 0 homozygotes; allele frequency: 8.32e-6), suggesting it is not a common benign variant in the populations represented in these databases. In silico algorithms predict this variant to be Deleterious (Provean; score:-3.13) and Damaging (SIFT; score:0.011) to the function of the canonical transcript. This variant is absent from ClinVar and to our current knowledge has not been reported in affected individuals in the literature. Given the lack of compelling evidence for the pathogenicity of the c.1616G>A (p.Arg539Gln) variant in the WDR26 gene, it is reported here as a Variant of Uncertain Significance.